The following is an entry in ClinVar:

ClinVar aggregate classification (germline): Uncertain significance (1 of 4 stars; one submission).

Submission:

Labcorp Genetics (formerly Invitae), Labcorp
Classification: Uncertain significance. Last evaluated: 2024-12-09. Review status: criteria provided, single submitter. Criteria: Invitae Variant Classification Sherloc (09022015). Collection method: clinical testing. Allele origin: germline.
Comment: This variant, c.96_221del, results in the deletion of 42 amino acid(s) of the KRT1 protein (p.Ser34_Ser75del), but otherwise preserves the integrity of the reading frame. This variant is not present in population databases (gnomAD no frequency). This variant has been observed in individual(s) with clinical features of KRT1-related conditions (internal data). Experimental studies and prediction algorithms are not available or were not evaluated, and the functional significance of this variant is currently unknown. In summary, the available evidence is currently insufficient to determine the role of this variant in disease. Therefore, it has been classified as a Variant of Uncertain Significance.

NM_006121.4(KRT1):c.96_221del (p.Ser34_Ser75del)

Gene: KRT1 (keratin 1; minus strand). Cytogenetic location: 12q13.13.
Variant type: Deletion.
Coding change: c.96_221del on transcript NM_006121.4 (MANE Select); coding-DNA positions 96 to 221, 126 bases deleted.
Protein change: p.Ser34_Ser75del.
Genome position (GRCh38, 1-based): chr12:52,680,128-52,680,253, 126 bases deleted. GRCh37 (hg19): chr12:53,073,912-53,074,037.
Identifiers: ClinVar variation 3726378 (VCV003726378.2).